The following is an entry in ClinVar:

ClinVar aggregate classification (germline): Uncertain significance. Review status: criteria provided, multiple submitters, no conflicts (2 of 4 stars). 4 submissions from 4 submitters: Uncertain significance (4). Last evaluated 2026-05-07.

Conditions:
TCAP-related disorder. Also called: TCAP-related condition.
Hypertrophic cardiomyopathy 25 (CMH25). Also called: CARDIOMYOPATHY, FAMILIAL HYPERTROPHIC, 25. Identifiers: MedGen C4225408, MONDO:0011843, OMIM 607487.
Primary familial hypertrophic cardiomyopathy (HCM). Identifiers: Orphanet 99739, MedGen C0949658, MeSH D024741, MONDO:0024573. Inheritance: Various modes of inheritance.
Cardiovascular phenotype. Identifiers: MedGen CN230736.

Allele frequency attached by ClinVar (database versions not stated): 1000 Genomes Project 30x 0.00031; TOPMed 0.00002; gnomAD 0.00003; ExAC 0.00004; gnomAD exomes 0.00004; 1000 Genomes Project 0.00020.

Submissions (4):

PreventionGenetics, part of Exact Sciences
Classification: Uncertain significance for TCAP-related condition. Last evaluated: 2026-05-07. Review status: criteria provided, single submitter. Criteria: ACMG Guidelines, 2015. Collection method: clinical testing. Allele origin: germline.
Comment: The TCAP c.317G>A variant is predicted to result in the amino acid substitution p.Arg106His. To our knowledge, this variant has not been reported in the literature. This variant is reported in 0.035% of alleles in individuals of East Asian descent in gnomAD. At this time, the clinical significance of this variant is uncertain due to the absence of conclusive functional and genetic evidence.

Ambry Genetics
Classification: Uncertain significance for Cardiovascular phenotype. Last evaluated: 2026-03-12. Review status: criteria provided, single submitter. Criteria: Ambry Variant Classification Scheme 2023. Collection method: clinical testing. Allele origin: germline.
Comment: The p.R106H variant (also known as c.317G>A), located in coding exon 2 of the TCAP gene, results from a G to A substitution at nucleotide position 317. The arginine at codon 106 is replaced by histidine, an amino acid with highly similar properties. This amino acid position is conserved. In addition, the in silico prediction for this alteration is inconclusive. Based on the available evidence, the clinical significance of this variant remains unclear.

Labcorp Genetics (formerly Invitae), Labcorp
Classification: Uncertain significance for Hypertrophic cardiomyopathy 25; Primary familial hypertrophic cardiomyopathy. Last evaluated: 2024-03-24. Review status: criteria provided, single submitter. Criteria: Invitae Variant Classification Sherloc (09022015). Collection method: clinical testing. Allele origin: germline.
Comment: This sequence change replaces arginine, which is basic and polar, with histidine, which is basic and polar, at codon 106 of the TCAP protein (p.Arg106His). This variant is present in population databases (rs576098128, gnomAD 0.04%). This variant has not been reported in the literature in individuals affected with TCAP-related conditions. ClinVar contains an entry for this variant (Variation ID: 568632). Algorithms developed to predict the effect of missense changes on protein structure and function output the following: SIFT: "Not Available"; PolyPhen-2: "Benign"; Align-GVGD: "Not Available". The histidine amino acid residue is found in multiple mammalian species, which suggests that this missense change does not adversely affect protein function. In summary, the available evidence is currently insufficient to determine the role of this variant in disease. Therefore, it has been classified as a Variant of Uncertain Significance.

Agnes Ginges Centre for Molecular Cardiology, Centenary Institute
Classification: Uncertain significance for Hypertrophic cardiomyopathy 25. Last evaluated: 2018-10-16. Review status: criteria provided, single submitter. Criteria: ACMG Guidelines, 2015. Collection method: research. Allele origin: germline. Inheritance: Autosomal dominant inheritance. Affected: yes.
Comment: TCAP Arg106His has not been previously reported but is present multiple times in both the Exome Aggregation Consortium dataset (AF= 0.00004315) and in the Genome Aggregation Database (AF= 0.00003989) suggesting that this may be a benign polymorphism. In silico tools SIFT and MutationTaster predict this variant to be deleterious but PolyPhen2 predicts this variant to be benign. Based on the conflicting evidence we classify TCAP Arg106His as a variant of 'uncertain significance'.

NM_003673.4(TCAP):c.317G>A (p.Arg106His)

Gene: TCAP (titin-cap; plus strand). Cytogenetic location: 17q12.
Variant type: single nucleotide variant.
Coding change: c.317G>A on transcript NM_003673.4 (MANE Select); coding-DNA position 317, G replaced by A.
Protein change: p.Arg106His; replaces arginine 106 with histidine.
Molecular consequence: missense variant.
Genome position (GRCh38, 1-based): chr17:39,665,922, G>A. VCF-style: chr17-39665922-G-A. GRCh37 (hg19) VCF-style: chr17-37822175-G-A.
Other names: short protein forms R106H.
Identifiers: ClinVar variation 568632 (VCV000568632.10), dbSNP rs576098128, ClinGen allele CA8532898.